The following is an entry in ClinVar:

ClinVar aggregate classification (germline): Benign (0 of 4 stars; one submission).

Conditions:
HMGB1-related disorder. Also called: HMGB1-related condition.

Allele frequency attached by ClinVar (database versions not stated): gnomAD exomes 0.03027; ExAC 0.03834; gnomAD 0.08273; 1000 Genomes Project 0.08726; ESP Exome Variant Server 0.08756; 1000 Genomes Project 30x 0.08963; TOPMed 0.09170.
gnomAD v4.1: 57,152 of 1,607,636 alleles (3.6%); highest among the groups gnomAD compares: African/African-American, 24%; 2,689 homozygotes.

Submission:

PreventionGenetics, part of Exact Sciences
Classification: Benign for HMGB1-related condition. Last evaluated: 2024-05-29. Review status: no assertion criteria provided. Collection method: clinical testing. Allele origin: germline.
Comment: This variant is classified as benign based on ACMG/AMP sequence variant interpretation guidelines (Richards et al. 2015 PMID: 25741868, with internal and published modifications).

NM_002128.7(HMGB1):c.309C>T (p.Phe103=)

Gene: HMGB1 (high mobility group box 1; minus strand). Cytogenetic location: 13q12.3.
Variant type: single nucleotide variant.
Coding change: c.309C>T on transcript NM_002128.7 (MANE Select); coding-DNA position 309, C replaced by T.
Protein change: p.Phe103=; no amino-acid change (phenylalanine 103 retained).
Molecular consequence: synonymous variant.
Genome position (GRCh38, 1-based): chr13:30,462,700, G>A on the plus strand (C>T on the coding strand, the complement: HMGB1 is on the minus strand). VCF-style: chr13-30462700-G-A. GRCh37 (hg19) VCF-style: chr13-31036837-G-A.
Other names: c.309C>T, p.Phe103= (NM_001313892.2, NM_001313893.1, NM_001363661.2 and 3 more transcripts).
Identifiers: ClinVar variation 3055268 (VCV003055268.2), dbSNP rs1060348, ClinGen allele CA6933926.